The following is an entry in ClinVar:

GRCh38/hg38 Xq27.3(chrX:147933767-147951004)x0

Gene: FMR1 (fragile X messenger ribonucleoprotein 1; plus strand). Cytogenetic location: Xq27.3.
Variant type: copy number loss.
Change: copy number 0 of chrX:147,933,767-147,951,004 (17.2 kb, GRCh38 coordinates, 1-based), cytogenetic band Xq27.3.
Identifiers: ClinVar variation 57461 (VCV000057461.1).

ClinVar aggregate classification (germline): Pathogenic (1 of 4 stars; one submission).

Submission:

ISCA site 4
Classification: Pathogenic. Last evaluated: 2011-08-12. Review status: criteria provided, single submitter. Criteria: Kaminsky et al. (Genet Med. 2011). Collection method: clinical testing. Allele origin: unknown. Affected: yes. Observed: 1 variant allele.
Comment: Copy number variation identified through the course of routine clinical cytogenomic testing in postnatal populations. Clinical assertions have been curated as described in Kaminsky et al. 2011.